The following is an entry in ClinVar:

ClinVar aggregate classification (germline): Uncertain significance (1 of 4 stars; one submission).

Conditions:
Retinoblastoma (RB1). Also called: RETINOBLASTOMA, SOMATIC. Identifiers: Orphanet 790, MedGen C0035335, MeSH D012175, MONDO:0008380, OMIM 180200, HP:0009919. Disease mechanism: loss of function. Inheritance: Both sporadic and heritable forms are tested..

Submission:

Labcorp Genetics (formerly Invitae), Labcorp
Classification: Uncertain significance for Retinoblastoma. Last evaluated: 2025-07-09. Review status: criteria provided, single submitter. Criteria: Invitae Variant Classification Sherloc (09022015). Collection method: clinical testing. Allele origin: germline.
Comment: This variant occurs in a non-coding region of the RB1 gene. It does not change the encoded amino acid sequence of the RB1 protein. This variant is not present in population databases (gnomAD no frequency). This variant has not been reported in the literature in individuals affected with RB1-related conditions. ClinVar contains an entry for this variant (Variation ID: 3605612). In summary, the available evidence is currently insufficient to determine the role of this variant in disease. Therefore, it has been classified as a Variant of Uncertain Significance.

NM_000321.3(RB1):c.-114A>G

Gene: RB1 (RB transcriptional corepressor 1; plus strand). Cytogenetic location: 13q14.2.
Variant type: single nucleotide variant.
Coding change: c.-114A>G on transcript NM_000321.3 (MANE Select); 114 bases upstream of the start codon, A replaced by G.
Molecular consequence: 5 prime UTR variant.
Genome position (GRCh38, 1-based): chr13:48,303,799, A>G. VCF-style: chr13-48303799-A-G. GRCh37 (hg19) VCF-style: chr13-48877935-A-G.
Other names: c.-114A>G (NM_001407166.1, NM_001407167.1, NM_001407165.1).
Identifiers: ClinVar variation 3605612 (VCV003605612.2).
Genomic context (GRCh38, chr13:48,303,799, plus strand): 5'-GACGCGGCGCTCAGTTGCCGGGCGGGGGAGGGCGCGTCCGGTTTTTCTCAGGGGACGTTG[A>G]AATTATTTTTGTAACGGGAGTCGGGAGAGGACGGGGCGTGCCCCGACGTGCGCGCGCGTC-3'